The following is an entry in ClinVar:

ClinVar aggregate classification (germline): Benign/Likely benign. Review status: criteria provided, multiple submitters, no conflicts (2 of 4 stars). 28 submissions from 27 submitters: Benign (15); Likely benign (8). 5 of the submissions do not count toward it. Last evaluated 2026-08-01.

Conditions:
Tuberous sclerosis 1 (TSC1). Identifiers: Orphanet 805, MedGen C1854465, MONDO:0008612, OMIM 191100.
Lymphangiomyomatosis (LAM). Also called: Lymphangioleiomyomatosis; Lymphangioleiomyomatosis, somatic. Identifiers: Orphanet 538, MedGen C0751674, MONDO:0011705, OMIM 606690.
Isolated focal cortical dysplasia type II (FCORD2). Also called: Focal cortical dysplasia type II; CORTICAL DYSPLASIA OF TAYLOR. Identifiers: Orphanet 268994, MedGen C1846385, MONDO:0011818, OMIM 607341, HP:0032051.
Hereditary cancer-predisposing syndrome. Also called: Neoplastic Syndromes, Hereditary; Tumor predisposition; Hereditary Cancer Syndrome; Hereditary neoplastic syndrome. Identifiers: Orphanet 140162, MedGen C0027672, MeSH D009386, MONDO:0015356.
Tuberous sclerosis syndrome (TSC). Also called: Tuberous Sclerosis Complex; Tuberous sclerosis. Identifiers: Orphanet 805, MedGen C0041341, MONDO:0001734.

Allele frequency attached by ClinVar (database versions not stated): TOPMed 0.00192; gnomAD 0.00193 and 0.00189; 1000 Genomes Project 30x 0.00141; gnomAD exomes 0.00161; ExAC 0.00166; ESP Exome Variant Server 0.00185; 1000 Genomes Project 0.00120.
gnomAD v4.1: 4,076 of 1,614,154 alleles (0.25%); highest among the groups gnomAD compares: Non-Finnish European, 0.32%; 10 homozygotes.

Submissions (28):

CeGaT Center for Human Genetics Tuebingen
Classification: Likely benign. Last evaluated: 2026-08-01. Review status: criteria provided, single submitter. Criteria: CeGaT Center For Human Genetics Tuebingen Variant Classification Criteria Version 2. Collection method: clinical testing. Allele origin: germline. Affected: yes. Observed: 56 variant alleles.
Comment: TSC1: BP4, BP7, BS1

Labcorp Genetics (formerly Invitae), Labcorp
Classification: Benign for Tuberous sclerosis 1. Last evaluated: 2026-02-03. Review status: criteria provided, single submitter. Criteria: Invitae Variant Classification Sherloc (09022015). Collection method: clinical testing. Allele origin: germline.

Quest Diagnostics Nichols Institute San Juan Capistrano
Classification: Benign. Last evaluated: 2025-06-06. Review status: criteria provided, single submitter. Criteria: Quest Diagnostics criteria. Collection method: clinical testing. Allele origin: unknown.

Myriad Genetics, Inc.
Classification: Benign for Tuberous sclerosis 1. Last evaluated: 2025-04-29. Review status: criteria provided, single submitter. Criteria: Myriad Autosomal Dominant, Autosomal Recessive and X-Linked Classification Criteria (2023). Collection method: clinical testing. Allele origin: unknown.
Comment: This variant is considered benign. This variant is a silent/synonymous amino acid change and it is not expected to impact splicing.

KCCC/NGS Laboratory, Kuwait Cancer Control Center
Classification: Benign for Tuberous sclerosis 1. Last evaluated: 2025-02-01. Review status: criteria provided, single submitter. Criteria: ACMG Guidelines, 2015. Collection method: clinical testing. Allele origin: germline. Affected: no.

ARUP Laboratories, Molecular Genetics and Genomics, ARUP Laboratories
Classification: Benign. Last evaluated: 2025-01-27. Review status: criteria provided, single submitter. Criteria: ARUP Molecular Germline Variant Investigation Process 2024. Collection method: clinical testing. Allele origin: germline.

Blueprint Genetics
Classification: Likely benign. Last evaluated: 2024-11-27. Review status: criteria provided, single submitter. Criteria: ACMG Guidelines, 2015. Collection method: clinical testing. Allele origin: germline.

All of Us Research Program, National Institutes of Health
Classification: Likely benign for Tuberous sclerosis syndrome. Last evaluated: 2024-02-05. Review status: criteria provided, single submitter. Criteria: ACMG Guidelines, 2015. Collection method: clinical testing. Allele origin: germline. Inheritance: Autosomal dominant inheritance. Observed: 541 variant alleles, 541 heterozygotes.
Comment: This study involves interpretation of variants in research participants for the purpose of population health screening. Participant phenotype was not available at the time of variant classification. Additional details can be found in publication PMID: 35346344, PMCID: PMC8962531

Department of Pathology and Laboratory Medicine, Sinai Health System
Classification: Benign for Tuberous sclerosis 1; Lymphangiomyomatosis; Isolated focal cortical dysplasia type II. Last evaluated: 2023-12-07. Review status: criteria provided, single submitter. Criteria: ACMG Guidelines, 2015. Collection method: clinical testing. Allele origin: germline.

Women's Health and Genetics/Laboratory Corporation of America, LabCorp
Classification: Benign. Last evaluated: 2023-01-02. Review status: criteria provided, single submitter. Criteria: LabCorp Variant Classification Summary - May 2015. Collection method: clinical testing. Allele origin: germline.

Mayo Clinic Laboratories, Mayo Clinic
Classification: Benign. Last evaluated: 2021-11-19. Review status: criteria provided, single submitter. Criteria: ACMG Guidelines, 2015. Collection method: clinical testing. Allele origin: germline. Observed: 4 variant alleles.
Comment: BS1, BS2, BP4, BP7

Genome-Nilou Lab
Classification: Benign for Tuberous sclerosis 1. Last evaluated: 2021-11-07. Review status: criteria provided, single submitter. Criteria: ACMG Guidelines, 2015. Collection method: clinical testing. Allele origin: germline. Affected: no.

Fulgent Genetics
Classification: Likely benign for Tuberous sclerosis 1; Lymphangiomyomatosis; Isolated focal cortical dysplasia type II. Last evaluated: 2021-07-26. Review status: criteria provided, single submitter. Criteria: ACMG Guidelines, 2015. Collection method: clinical testing. Allele origin: unknown.

Sema4
Classification: Benign for Hereditary cancer-predisposing syndrome. Last evaluated: 2020-07-31. Review status: criteria provided, single submitter. Criteria: Sema4 Curation Guidelines. Collection method: curation. Allele origin: germline.

Color Diagnostics, LLC DBA Color Health
Classification: Likely benign for Tuberous sclerosis syndrome. Last evaluated: 2019-03-29. Review status: criteria provided, single submitter. Criteria: ACMG Guidelines, 2015. Collection method: clinical testing. Allele origin: germline.

Illumina Laboratory Services, Illumina
Classification: Benign for Tuberous sclerosis 1. Last evaluated: 2018-01-12. Review status: criteria provided, single submitter. Criteria: ICSL Variant Classification Criteria 13 December 2019. Collection method: clinical testing. Allele origin: germline.
Comment: This variant was observed in the ICSL laboratory as part of a predisposition screen in an ostensibly healthy population. It had not been previously curated by ICSL or reported in the Human Gene Mutation Database (HGMD: prior to June 1st, 2018), and was therefore a candidate for classification through an automated scoring system. Utilizing variant allele frequency, disease prevalence and penetrance estimates, and inheritance mode, an automated score was calculated to assess if this variant is too frequent to cause the disease. Based on the score and internal cut-off values, a variant classified as benign is not then subjected to further curation. The score for this variant resulted in a classification of benign for this disease.

Illumina Laboratory Services, Illumina
Classification: Benign for Isolated focal cortical dysplasia type II. Last evaluated: 2018-01-12. Review status: criteria provided, single submitter. Criteria: ICSL Variant Classification Criteria 13 December 2019. Collection method: clinical testing. Allele origin: germline.
Comment: the same text as in the submission from Illumina Laboratory Services, Illumina above.

Athena Diagnostics
Classification: Benign for Tuberous sclerosis 1. Last evaluated: 2017-05-31. Review status: criteria provided, single submitter. Criteria: Athena Diagnostics Criteria. Collection method: clinical testing. Allele origin: germline.

Ambry Genetics
Classification: Likely benign for Hereditary cancer-predisposing syndrome. Last evaluated: 2014-11-04. Review status: criteria provided, single submitter. Criteria: Ambry Variant Classification Scheme 2023. Collection method: clinical testing. Allele origin: germline.

Eurofins Ntd Llc (ga)
Classification: Likely benign. Last evaluated: 2014-07-29. Review status: criteria provided, single submitter. Criteria: EGL Classification Definitions 2015. Collection method: clinical testing. Allele origin: germline. Observed: 2 variant alleles, 2 heterozygotes.

GeneDx
Classification: Benign. Last evaluated: 2013-10-08. Review status: criteria provided, single submitter. Criteria: GeneDx Variant Classification (06012015). Collection method: clinical testing. Allele origin: germline. Affected: yes.
Comment: This variant is considered likely benign or benign based on one or more of the following criteria: it is a conservative change, it occurs at a poorly conserved position in the protein, it is predicted to be benign by multiple in silico algorithms, and/or has population frequency not consistent with disease.

Laboratory for Molecular Medicine, Mass General Brigham Personalized Medicine
Classification: Likely benign. Last evaluated: 2013-02-21. Review status: criteria provided, single submitter. Criteria: LMM Criteria. Collection method: clinical testing. Allele origin: germline. Observed: 1 variant allele.
Comment: Thr955Thr in exon 22 of TSC1: This variant is not expected to have clinical sign ificance because it does not alter an amino acid residue and is not located with in the splice consensus sequence. It has been identified in 0.2% (20/8600) of Eu ropean American chromosomes from a broad population by the NHLBI Exome Sequencin g Project (dbSNP rs45468995).

PreventionGenetics, part of Exact Sciences
Classification: Benign. Review status: criteria provided, single submitter. Criteria: ACMG Guidelines, 2015. Collection method: clinical testing. Allele origin: germline.

Clinical Genetics DNA and cytogenetics Diagnostics Lab, Erasmus MC, Erasmus Medical Center
Classification: Benign. Review status: no assertion criteria provided. Collection method: clinical testing. Allele origin: germline. Affected: yes. Study: VKGL Data-share Consensus. Not counted in ClinVar's aggregate classification.

Clinical Genetics, Academic Medical Center
Classification: Benign. Review status: no assertion criteria provided. Collection method: clinical testing. Allele origin: germline. Affected: yes. Study: VKGL Data-share Consensus. Not counted in ClinVar's aggregate classification.

Genome Diagnostics Laboratory, Amsterdam University Medical Center
Classification: Benign. Review status: no assertion criteria provided. Collection method: clinical testing. Allele origin: germline. Affected: yes. Study: VKGL Data-share Consensus. Not counted in ClinVar's aggregate classification.

Genome Diagnostics Laboratory, University Medical Center Utrecht
Classification: Benign. Review status: no assertion criteria provided. Collection method: clinical testing. Allele origin: germline. Affected: yes. Study: VKGL Data-share Consensus. Not counted in ClinVar's aggregate classification.

Tuberous sclerosis database (TSC1)
No classification provided. Condition: TSC. Review status: no classification provided. Criteria: Tuberous Sclerosis Database Assertion Criteria 2015. Collection method: curation. Allele origin: germline. Affected: yes. Not counted in ClinVar's aggregate classification.

NM_000368.5(TSC1):c.2865C>T (p.Thr955=)

Gene: TSC1 (TSC complex subunit 1; minus strand). Cytogenetic location: 9q34.13.
Variant type: single nucleotide variant.
Coding change: c.2865C>T on transcript NM_000368.5 (MANE Select); coding-DNA position 2865, C replaced by T.
Protein change: p.Thr955=; no amino-acid change (threonine 955 retained).
Molecular consequence: synonymous variant.
Genome position (GRCh38, 1-based): chr9:132,897,294, G>A on the plus strand (C>T on the coding strand, the complement: TSC1 is on the minus strand). VCF-style: chr9-132897294-G-A. GRCh37 (hg19) VCF-style: chr9-135772681-G-A.
Other names: p.T955T:ACC>ACT; p.Thr955=; c.2862C>T, p.Thr954= (NM_001162426.2); c.2712C>T, p.Thr904= (NM_001162427.2); c.2502C>T, p.Thr834= (NM_001362177.2).
Identifiers: ClinVar variation 49008 (VCV000049008.112), dbSNP rs45468995, ClinGen allele CA007079.